The following is an entry in ClinVar:

ClinVar aggregate classification (germline): Likely benign. Review status: criteria provided, multiple submitters, no conflicts (2 of 4 stars). 3 submissions from 3 submitters: Likely benign (2). 1 of the submissions does not count toward it. Last evaluated 2025-12-16.

Conditions:
MAP3K7-related disorder.

Allele frequency attached by ClinVar (database versions not stated): TOPMed 0.00001; gnomAD exomes 0.00002.
gnomAD v4.1: 38 of 1,589,134 alleles (0.0024%); highest among the groups gnomAD compares: Middle Eastern, 0.33%; 1 homozygote.

Submissions (3):

Labcorp Genetics (formerly Invitae), Labcorp
Classification: Likely benign. Last evaluated: 2025-12-16. Review status: criteria provided, single submitter. Criteria: Invitae Variant Classification Sherloc (09022015). Collection method: clinical testing. Allele origin: germline.

Blueprint Genetics
Classification: Likely benign. Last evaluated: 2024-09-17. Review status: criteria provided, single submitter. Criteria: ACMG Guidelines, 2015. Collection method: clinical testing. Allele origin: germline.

PreventionGenetics, part of Exact Sciences
Classification: Likely benign for MAP3K7-related condition. Last evaluated: 2019-08-14. Review status: no assertion criteria provided. Collection method: clinical testing. Allele origin: germline. Not counted in ClinVar's aggregate classification.
Comment: This variant is classified as likely benign based on ACMG/AMP sequence variant interpretation guidelines (Richards et al. 2015 PMID: 25741868, with internal and published modifications).

NM_145331.3(MAP3K7):c.1462+8G>A

Gene: MAP3K7 (mitogen-activated protein kinase kinase kinase 7; minus strand). Cytogenetic location: 6q15.
Variant type: single nucleotide variant.
Coding change: c.1462+8G>A on transcript NM_145331.3 (MANE Select); 8 bases into the intron after coding-DNA position 1462, G replaced by A.
Molecular consequence: intron variant.
Genome position (GRCh38, 1-based): chr6:90,523,670, C>T on the plus strand (G>A on the coding strand, the complement: MAP3K7 is on the minus strand). VCF-style: chr6-90523670-C-T. GRCh37 (hg19) VCF-style: chr6-91233389-C-T.
Other names: c.1381+8G>A (NM_145333.3, NM_003188.4); c.1462+8G>A (NM_145332.3).
Identifiers: ClinVar variation 3053177 (VCV003053177.4), dbSNP rs1047378891, ClinGen allele CA142985994.
Genomic context (GRCh38, chr6:90,523,670, plus strand): 5'-TGACATGGCCAAATGAATATAAACATGACTGATTCAACTTCATAAGTATGAAGAAACAGA[C>T]TGGTCACCTGTGGAATCATCAGGGGTCCATGGATGACTTCGAGTTGGCTTTTCTGAGGTT-3'